The following is an entry in ClinVar:

ClinVar aggregate classification (germline): Likely benign. Review status: criteria provided, multiple submitters, no conflicts (2 of 4 stars). 5 submissions from 5 submitters: Likely benign (4). 1 of the submissions does not count toward it. Last evaluated 2025-12-17.

Conditions:
Charcot-Marie-Tooth disease type 2. Also called: Charcot-Marie-Tooth type 2. Identifiers: Orphanet 64746, MedGen C0270914, MONDO:0018993.

Allele frequency attached by ClinVar (database versions not stated): gnomAD 0.00004; TOPMed 0.00009; ExAC 0.00011; gnomAD exomes 0.00011.
gnomAD v4.1: 73 of 1,613,488 alleles (0.0045%); highest among the groups gnomAD compares: Admixed American, 0.02%; no homozygotes.

Submissions (5):

Labcorp Genetics (formerly Invitae), Labcorp
Classification: Likely benign for Charcot-Marie-Tooth disease type 2. Last evaluated: 2025-12-17. Review status: criteria provided, single submitter. Criteria: Invitae Variant Classification Sherloc (09022015). Collection method: clinical testing. Allele origin: germline.

Women's Health and Genetics/Laboratory Corporation of America, LabCorp
Classification: Likely benign. Last evaluated: 2025-01-08. Review status: criteria provided, single submitter. Criteria: LabCorp Variant Classification Summary - May 2015. Collection method: clinical testing. Allele origin: germline.
Comment: Variant summary: LMNA c.357-20C>T alters a nucleotide located at a position not widely known to affect splicing. The variant allele was found at a frequency of 4.5e-05 in 1606880 control chromosomes (gnomAD). The variant, c.357-20C>T, has been reported in the literature in individuals affected with Cardiomyopathy (Millat_2009, Narula_2012), however no supportive evidence for causality was provided. These report(s) do not provide unequivocal conclusions about association of the variant with Cardiomyopathy. To our knowledge, no experimental evidence demonstrating an impact on protein function has been reported. The following publications have been ascertained in the context of this evaluation (PMID: 19026623, 23062543). ClinVar contains an entry for this variant (Variation ID: 36478). Based on the evidence outlined above, the variant was classified as likely benign.

Blueprint Genetics
Classification: Likely benign. Last evaluated: 2024-10-24. Review status: criteria provided, single submitter. Criteria: ACMG Guidelines, 2015. Collection method: clinical testing. Allele origin: germline.

GeneDx
Classification: Likely benign. Last evaluated: 2018-05-07. Review status: criteria provided, single submitter. Criteria: GeneDx Variant Classification Process June 2021. Collection method: clinical testing. Allele origin: germline. Affected: yes.
Comment: This variant is associated with the following publications: (PMID: 28679633)

Epithelial Biology;  Institute of Medical Biology, Singapore
No classification provided. Review status: no classification provided. Collection method: not provided. Allele origin: not provided. Not counted in ClinVar's aggregate classification.

Literature cited by the submitters: PubMed 19026623 (cited by Women's Health and Genetics/Laboratory Corporation of America, LabCorp); PubMed 23062543 (cited by Women's Health and Genetics/Laboratory Corporation of America, LabCorp).

NM_170707.4(LMNA):c.357-20C>T

Genes: LMNA (lamin A/C; plus strand), LOC126805877 (MED14-independent group 3 enhancer GRCh37_chr1:156099693-156100892; plus strand). Cytogenetic location: 1q22.
Variant type: single nucleotide variant.
Coding change: c.357-20C>T on transcript NM_170707.4 (MANE Select); 20 bases into the intron before coding-DNA position 357, C replaced by T.
Molecular consequence: intron variant.
Genome position (GRCh38, 1-based): chr1:156,130,597, C>T. VCF-style: chr1-156130597-C-T. GRCh37 (hg19) VCF-style: chr1-156100388-C-T.
Other names: c.357-20C>T (NM_001282625.2, NM_001282626.2, NM_170708.4 and 1 more transcripts); c.21-20C>T (NM_001257374.3); c.114-20C>T (NM_001282624.2).
Identifiers: ClinVar variation 36478 (VCV000036478.14), dbSNP rs193922724, ClinGen allele CA017981.
Genomic context (GRCh38, chr1:156,130,597, plus strand): 5'-TGGCTGACCTCCTGGGAGCCTGGCACTGTCTAGGCACACAGACTCCTTCTCTTAAATCTA[C>T]TCTCCCCTCTCTTCTTTAGCAATACCAAGAAGGAGGGTGACCTGATAGCTGCTCAGGCTC-3'